The following is an entry in ClinVar:

NM_001348484.3(RIMS2):c.3987C>T (p.Asp1329=)

Gene: RIMS2 (regulating synaptic membrane exocytosis 2; plus strand). Cytogenetic location: 8q22.3.
Variant type: single nucleotide variant.
Coding change: c.3987C>T on transcript NM_001348484.3 (MANE Select); coding-DNA position 3987, C replaced by T.
Protein change: p.Asp1329=; no amino-acid change (aspartic acid 1329 retained).
Molecular consequence: synonymous variant. On other transcripts: intron variant (22).
Genome position (GRCh38, 1-based): chr8:104,148,727, C>T. VCF-style: chr8-104148727-C-T. GRCh37 (hg19) VCF-style: chr8-105160955-C-T.
Other names: c.2991C>T, p.Asp997= (NM_001348501.2); c.3138C>T, p.Asp1046= (NM_001348503.2, NM_001348498.2); c.3234C>T, p.Asp1078= (NM_001348509.2); c.3840C>T, p.Asp1280= (NM_001395652.1); c.3699C>T, p.Asp1233= (NM_001395653.1); c.3846C>T, p.Asp1282= (NM_001395654.1); c.3419-96189C>T (NM_001348488.2); c.3548-96189C>T (NM_001348491.2); and 22 more.
Identifiers: ClinVar variation 3777838 (VCV003777838.8).

ClinVar aggregate classification (germline): Likely benign. Review status: criteria provided, multiple submitters, no conflicts (2 of 4 stars). 2 submissions from 2 submitters: Likely benign (2). Last evaluated 2025-03-01.

gnomAD v4.1: 6,705 of 1,598,354 alleles (0.42%); highest among the groups gnomAD compares: Non-Finnish European, 0.52%; 19 homozygotes.

Submissions (2):

CeGaT Center for Human Genetics Tuebingen
Classification: Likely benign. Last evaluated: 2025-03-01. Review status: criteria provided, single submitter. Criteria: CeGaT Center For Human Genetics Tuebingen Variant Classification Criteria Version 2. Collection method: clinical testing. Allele origin: germline. Affected: yes. Observed: 1 variant allele.
Comment: RIMS2: BP4, BS2

Blueprint Genetics
Classification: Likely benign. Last evaluated: 2024-11-27. Review status: criteria provided, single submitter. Criteria: ACMG Guidelines, 2015. Collection method: clinical testing. Allele origin: germline.